The following is an entry in ClinVar:

NM_001190467.2(PRR36):c.1390C>G (p.Leu464Val)

Gene: PRR36 (proline rich 36; minus strand). Cytogenetic location: 19p13.2.
Variant type: single nucleotide variant.
Coding change: c.1390C>G on transcript NM_001190467.2 (MANE Select); coding-DNA position 1390, C replaced by G.
Protein change: p.Leu464Val; replaces leucine 464 with valine.
Molecular consequence: missense variant.
Genome position (GRCh38, 1-based): chr19:7,871,854, G>C on the plus strand (C>G on the coding strand, the complement: PRR36 is on the minus strand). VCF-style: chr19-7871854-G-C. GRCh37 (hg19) VCF-style: chr19-7936740-G-C.
Other names: short protein forms L464V.
Identifiers: ClinVar variation 2649183 (VCV002649183.24), dbSNP rs572980152, ClinGen allele CA9147430.
Genomic context (GRCh38, chr19:7,871,854, plus strand): 5'-GTGCGGCCAGGGGAAAAGCCGAATTCCCCAGAGATGTTGCCGGAGAAACAGGGCCTTGTA[G>C]AGGAGACATGGCTGACAGAGGAGGTGTGGCCAAGGGAGAGAGGAGAGTCGGAAGAGAGGG-3'
Protein context (NP_001177396.1, residues 454-474): ATPPLSAMSP[Leu464Val]QGPVSPATSL

ClinVar aggregate classification (germline): Likely benign (1 of 4 stars; one submission).

Allele frequency attached by ClinVar (database versions not stated): ExAC 0.00024; 1000 Genomes Project 0.00080; 1000 Genomes Project 30x 0.00094; TOPMed 0.00290; gnomAD 0.00363; gnomAD exomes 0.00486.
gnomAD v4.1: 7,177 of 1,536,016 alleles (0.47%); highest among the groups gnomAD compares: Non-Finnish European, 0.57%; 23 homozygotes.

Submission:

CeGaT Center for Human Genetics Tuebingen
Classification: Likely benign. Last evaluated: 2023-04-01. Review status: criteria provided, single submitter. Criteria: CeGaT Center For Human Genetics Tuebingen Variant Classification Criteria Version 2. Collection method: clinical testing. Allele origin: germline. Affected: yes. Observed: 1 variant allele.
Comment: PRR36: BP4, BS2